The following is an entry in ClinVar:

ClinVar aggregate classification (germline): Uncertain significance. Review status: criteria provided, multiple submitters, no conflicts (2 of 4 stars). 2 submissions from 2 submitters: Uncertain significance (2). Last evaluated 2024-04-24.

Conditions:
Inborn genetic diseases. Identifiers: MedGen C0950123, MeSH D030342.

Allele frequency attached by ClinVar (database versions not stated): gnomAD exomes below 0.00001; ExAC 0.00001; TOPMed 0.00001; gnomAD 0.00002; 1000 Genomes Project 30x 0.00021; 1000 Genomes Project 0.00026.
gnomAD v4.1: 3 of 1,211,090 alleles (0.00025%); highest among the groups gnomAD compares: African/African-American, 0.0035%; no homozygotes.

Submissions (2):

Labcorp Genetics (formerly Invitae), Labcorp
Classification: Uncertain significance. Last evaluated: 2024-04-24. Review status: criteria provided, single submitter. Criteria: Invitae Variant Classification Sherloc (09022015). Collection method: clinical testing. Allele origin: germline.
Comment: This sequence change replaces alanine, which is neutral and non-polar, with valine, which is neutral and non-polar, at codon 22 of the SSR4 protein (p.Ala22Val). This variant is present in population databases (rs782604567, gnomAD 0.008%). This variant has not been reported in the literature in individuals affected with SSR4-related conditions. ClinVar contains an entry for this variant (Variation ID: 2283389). Algorithms developed to predict the effect of missense changes on protein structure and function output the following: SIFT: "Not Available"; PolyPhen-2: "Not Available"; Align-GVGD: "Not Available". The valine amino acid residue is found in multiple mammalian species, which suggests that this missense change does not adversely affect protein function. In summary, the available evidence is currently insufficient to determine the role of this variant in disease. Therefore, it has been classified as a Variant of Uncertain Significance.

Ambry Genetics
Classification: Uncertain significance for Inborn genetic diseases. Last evaluated: 2022-04-12. Review status: criteria provided, single submitter. Criteria: Ambry Variant Classification Scheme 2023. Collection method: clinical testing. Allele origin: germline.

NM_006280.3(SSR4):c.32C>T (p.Ala11Val)

Gene: SSR4 (signal sequence receptor subunit 4; plus strand). Cytogenetic location: Xq28.
Variant type: single nucleotide variant.
Coding change: c.32C>T on transcript NM_006280.3 (MANE Select); coding-DNA position 32, C replaced by T.
Protein change: p.Ala11Val; replaces alanine 11 with valine.
Molecular consequence: missense variant.
Genome position (GRCh38, 1-based): chrX:153,794,719, C>T. VCF-style: chrX-153794719-C-T. GRCh37 (hg19) VCF-style: chrX-153060174-C-T.
Other names: c.65C>T, p.Ala22Val (NM_001204526.2); c.56C>T, p.Ala19Val (NM_001204527.2); short protein forms A19V, A22V, A11V.
Identifiers: ClinVar variation 2283389 (VCV002283389.4), dbSNP rs782604567, ClinGen allele CA10553211.